The following is an entry in ClinVar:

NM_000901.5(NR3C2):c.-2C>G

Gene: NR3C2 (nuclear receptor subfamily 3 group C member 2; minus strand). Cytogenetic location: 4q31.23.
Variant type: single nucleotide variant.
Coding change: c.-2C>G on transcript NM_000901.5 (MANE Select); 2 bases upstream of the start codon, C replaced by G.
Molecular consequence: 5 prime UTR variant. On other transcripts: non-coding transcript variant (1).
Genome position (GRCh38, 1-based): chr4:148,436,862, G>C on the plus strand (C>G on the coding strand, the complement: NR3C2 is on the minus strand). VCF-style: chr4-148436862-G-C. GRCh37 (hg19) VCF-style: chr4-149358014-G-C.
Other names: c.-2C>G (NM_001166104.2, NM_001354819.1).
Identifiers: ClinVar variation 256827 (VCV000256827.22), dbSNP rs2070951, ClinGen allele CA3100541.

ClinVar aggregate classification (germline): Benign. Review status: criteria provided, multiple submitters, no conflicts (2 of 4 stars). 10 submissions from 10 submitters: Benign (8). 2 of the submissions do not count toward it. Last evaluated 2024-11-26.

Conditions:
Autosomal dominant pseudohypoaldosteronism type 1. Also called: Pseudohypoaldosteronism, Type I, Dominant; PHA I, AUTOSOMAL DOMINANT; Pseudohypoaldosteronism, Type I, Autosomal Dominant. Identifiers: Orphanet 171871, Orphanet 756, MedGen C1449842, MONDO:0008329, OMIM 177735.

Allele frequency attached by ClinVar (database versions not stated): ESP Exome Variant Server 0.39743; TOPMed 0.41849; gnomAD 0.43083 and 0.44455; 1000 Genomes Project 30x 0.48798; 1000 Genomes Project 0.50080; ExAC 0.55105.
gnomAD v4.1: 796,286 of 1,600,986 alleles (50%); highest among the groups gnomAD compares: East Asian, 76%; 204,490 homozygotes.

Submissions (10):

Blueprint Genetics
Classification: Benign. Last evaluated: 2024-11-26. Review status: criteria provided, single submitter. Criteria: ACMG Guidelines, 2015. Collection method: clinical testing. Allele origin: germline.

Mayo Clinic Laboratories, Mayo Clinic
Classification: Benign. Last evaluated: 2022-09-23. Review status: criteria provided, single submitter. Criteria: ACMG Guidelines, 2015. Collection method: clinical testing. Allele origin: germline. Observed: 125 variant alleles.
Comment: BA1, BP4

Genome-Nilou Lab
Classification: Benign for Autosomal dominant pseudohypoaldosteronism type 1. Last evaluated: 2021-09-05. Review status: criteria provided, single submitter. Criteria: ACMG Guidelines, 2015. Collection method: clinical testing. Allele origin: germline. Affected: no.

GeneDx
Classification: Benign. Last evaluated: 2018-11-12. Review status: criteria provided, single submitter. Criteria: GeneDx Variant Classification Process June 2021. Collection method: clinical testing. Allele origin: germline. Affected: yes.
Comment: This variant is associated with the following publications: (PMID: 28249922, 20855654, 20884124, 23315997, 12483305)

Illumina Laboratory Services, Illumina
Classification: Benign for Autosomal dominant pseudohypoaldosteronism type 1. Last evaluated: 2018-03-06. Review status: criteria provided, single submitter. Criteria: ICSL Variant Classification Criteria 13 December 2019. Collection method: clinical testing. Allele origin: germline.
Comment: This variant was observed in the ICSL laboratory as part of a predisposition screen in an ostensibly healthy population. It had not been previously curated by ICSL or reported in the Human Gene Mutation Database (HGMD: prior to June 1st, 2018), and was therefore a candidate for classification through an automated scoring system. Utilizing variant allele frequency, disease prevalence and penetrance estimates, and inheritance mode, an automated score was calculated to assess if this variant is too frequent to cause the disease. Based on the score and internal cut-off values, a variant classified as benign is not then subjected to further curation. The score for this variant resulted in a classification of benign for this disease.

Laboratory for Molecular Medicine, Mass General Brigham Personalized Medicine
Classification: Benign. Last evaluated: 2016-02-17. Review status: criteria provided, single submitter. Criteria: LMM Criteria. Collection method: clinical testing. Allele origin: germline. Observed: 1 variant allele.
Comment: This is a RefSeq error. The reference base (c.-2C) is the minor allele. This all ele (C) has been identified in 48.2% (28400/58962) of European chromosomes by th e Exome Aggregation Consortium (ExAC; dbSNP rs20 70951) and thus meets criteria to be classified as benign.

Breakthrough Genomics
Classification: Benign. Review status: criteria provided, single submitter. Criteria: ACMG Guidelines, 2015. Collection method: not provided. Allele origin: germline. Inheritance: Autosomal dominant inheritance. Affected: yes.

PreventionGenetics, part of Exact Sciences
Classification: Benign. Review status: criteria provided, single submitter. Criteria: ACMG Guidelines, 2015. Collection method: clinical testing. Allele origin: germline.

Diagnostic Laboratory, Department of Genetics, University Medical Center Groningen
Classification: Benign. Review status: no assertion criteria provided. Collection method: clinical testing. Allele origin: germline. Affected: yes. Study: VKGL Data-share Consensus. Not counted in ClinVar's aggregate classification.

Joint Genome Diagnostic Labs from Nijmegen and Maastricht, Radboudumc and MUMC+
Classification: Benign. Review status: no assertion criteria provided. Collection method: clinical testing. Allele origin: germline. Affected: yes. Study: VKGL Data-share Consensus. Not counted in ClinVar's aggregate classification.

Literature cited by the submitters: PubMed 12483305 (cited by Laboratory for Molecular Medicine, Mass General Brigham Personalized Medicine).